The following is an entry in ClinVar:

ClinVar aggregate classification (germline): Uncertain significance (1 of 4 stars; one submission).

Submission:

GeneDx
Classification: Uncertain significance. Last evaluated: 2024-09-29. Review status: criteria provided, single submitter. Criteria: GeneDx Variant Classification Process June 2021. Collection method: clinical testing. Allele origin: germline. Affected: yes.
Comment: Not observed at significant frequency in large population cohorts (gnomAD); In silico analysis indicates that this missense variant does not alter protein structure/function; Has not been previously published as pathogenic or benign to our knowledge

NM_024757.5(EHMT1):c.967A>G (p.Thr323Ala)

Gene: EHMT1 (euchromatic histone lysine methyltransferase 1; plus strand). Cytogenetic location: 9q34.3.
Variant type: single nucleotide variant.
Coding change: c.967A>G on transcript NM_024757.5 (MANE Select); coding-DNA position 967, A replaced by G.
Protein change: p.Thr323Ala; replaces threonine 323 with alanine.
Molecular consequence: missense variant.
Genome position (GRCh38, 1-based): chr9:137,743,514, A>G. VCF-style: chr9-137743514-A-G. GRCh37 (hg19) VCF-style: chr9-140637966-A-G.
Other names: c.967A>G, p.Thr323Ala (NM_001145527.2, NM_001354611.2); c.874A>G, p.Thr292Ala (NM_001354259.2, NM_001354612.2); c.946A>G, p.Thr316Ala (NM_001354263.2); short protein forms T292A, T316A, T323A.
Identifiers: ClinVar variation 3774663 (VCV003774663.1).
Genomic context (GRCh38, chr9:137,743,514, plus strand): 5'-AAGACCAAAGTATTAAAACAGAGGACGGTGATTGAGATGTTTAAGAGCATAACTCATTCC[A>G]CTGTGGGTTCCAAGGTAAGAGACGCATTTGAGTGAGTTGCCACGTGTGCGTGGAAATGCG-3'
Protein context (NP_079033.4, residues 313-333): IEMFKSITHS[Thr323Ala]VGSKGEKDLG